The following is an entry in ClinVar:

NM_000215.4(JAK3):c.175A>T (p.Lys59Ter)

Gene: JAK3 (Janus kinase 3; minus strand). Cytogenetic location: 19p13.11.
Variant type: single nucleotide variant.
Coding change: c.175A>T on transcript NM_000215.4 (MANE Select); coding-DNA position 175, A replaced by T.
Protein change: p.Lys59Ter; replaces lysine 59 with a stop codon.
Molecular consequence: nonsense.
Genome position (GRCh38, 1-based): chr19:17,844,243, T>A on the plus strand (A>T on the coding strand, the complement: JAK3 is on the minus strand). VCF-style: chr19-17844243-T-A. GRCh37 (hg19) VCF-style: chr19-17955052-T-A.
Other names: NM_000215.4(JAK3):c.175A>T; p.Lys59Ter; short protein forms K59*.
Identifiers: ClinVar variation 1999662 (VCV001999662.5), dbSNP rs2514582034, ClinGen allele CA404774961.
Genomic context (GRCh38, chr19:17,844,243, plus strand): 5'-CCACACAGCCCCATCCTTCCCTCTGGCCCGATCCACTAGGGATGCACTCACCGCTGGCCT[T>A]GGCAGCCTGCACGCACAGGTCCTCAGCCAAGTGGTCCCCAAAGGAGAAAGATAGGCGCTG-3'

ClinVar aggregate classification (germline): Likely pathogenic. Review status: reviewed by expert panel (3 of 4 stars). 2 submissions from 2 submitters: Likely pathogenic (1). 1 of the submissions does not count toward it. Last evaluated 2023-11-14.

Conditions:
T-B+ severe combined immunodeficiency due to JAK3 deficiency. Also called: SCID, T CELL-NEGATIVE, B CELL-POSITIVE, NK CELL-NEGATIVE; SCID, autosomal recessive, T-negative/B-positive type. Identifiers: Orphanet 35078, MedGen C1833275, MONDO:0010938, OMIM 600802.

Submissions (2):

ClinGen Severe Combined Immunodeficiency Variant Curation Expert Panel, ClinGen
Classification: Likely pathogenic for T-B+ severe combined immunodeficiency due to JAK3 deficiency. Last evaluated: 2023-11-14. Review status: reviewed by expert panel. Criteria: ClinGen SCID ACMG Specifications JAK3 V1.0.0. Collection method: curation. Allele origin: germline. Inheritance: Autosomal recessive inheritance.
Comment: The NM_000215.4(JAK3):c.175A>T (p.Lys59Ter) variant in JAK3 is a nonsense variant predicted to cause a premature stop codon in biologically relevant exon 2/24 leading to nonsense-mediated decay in a gene in which loss-of-function is an established disease mechanism (PVS1). This variant is absent from gnomAD v2.1.1 (PM2_Supporting). To our knowledge, this variant has not been reported in the literature in individuals affected with JAK3-related conditions, and functional studies have not been found. In summary, this variant meets the criteria to be classified as Likely Pathogenic for autosomal recessive SCID based on the ACMG/AMP criteria applied, as specified by the ClinGen SCID VCEP. Criteria applied: PVS1 and PM2_supporting. (VCEP specifications version 1).

Labcorp Genetics (formerly Invitae), Labcorp
Classification: Pathogenic for T-B+ severe combined immunodeficiency due to JAK3 deficiency. Last evaluated: 2022-05-27. Review status: criteria provided, single submitter. Criteria: Invitae Variant Classification Sherloc (09022015). Collection method: clinical testing. Allele origin: germline. Not counted in ClinVar's aggregate classification.
Comment: For these reasons, this variant has been classified as Pathogenic. This variant has not been reported in the literature in individuals affected with JAK3-related conditions. This variant is not present in population databases (gnomAD no frequency). This sequence change creates a premature translational stop signal (p.Lys59*) in the JAK3 gene. It is expected to result in an absent or disrupted protein product. Loss-of-function variants in JAK3 are known to be pathogenic (PMID: 7481768, 11668621).

Literature cited by the submitters: PubMed 7481768 (cited by Labcorp Genetics (formerly Invitae), Labcorp); PubMed 11668621 (cited by Labcorp Genetics (formerly Invitae), Labcorp).